The following is an entry in ClinVar:

NM_014314.4(RIGI):c.13C>T (p.Gln5Ter)

Genes: RIGI (RNA sensor RIG-I; minus strand), LOC130001628 (ATAC-STARR-seq lymphoblastoid active region 28262; plus strand). Cytogenetic location: 9p21.1.
Variant type: single nucleotide variant.
Coding change: c.13C>T on transcript NM_014314.4 (MANE Select); coding-DNA position 13, C replaced by T.
Protein change: p.Gln5Ter; replaces glutamine 5 with a stop codon.
Molecular consequence: nonsense. On other transcripts: 5 prime UTR variant (3).
Genome position (GRCh38, 1-based): chr9:32,526,154, G>A on the plus strand (C>T on the coding strand, the complement: RIGI is on the minus strand). VCF-style: chr9-32526154-G-A. GRCh37 (hg19) VCF-style: chr9-32526152-G-A.
Other names: c.13C>T, p.Gln5Ter (NM_001385907.1, NM_001385909.1, NM_001385913.1); c.-442C>T (NM_001385910.1, NM_001385914.1); c.-449C>T (NM_001385912.1); short protein forms Q5*.
Identifiers: ClinVar variation 3375160 (VCV003375160.1).

ClinVar aggregate classification (germline): Uncertain significance (1 of 4 stars; one submission).

gnomAD v4.1: 13 of 1,612,754 alleles (0.00081%); highest among the groups gnomAD compares: South Asian, 0.0011%; no homozygotes.

Submission:

Women's Health and Genetics/Laboratory Corporation of America, LabCorp
Classification: Uncertain significance. Last evaluated: 2024-09-27. Review status: criteria provided, single submitter. Criteria: LabCorp Variant Classification Summary - May 2015. Collection method: clinical testing. Allele origin: germline.
Comment: Variant summary: DDX58 c.13C>T (p.Gln5X) results in a premature termination codon, predicted to cause a truncation of the encoded protein or absence of the protein due to nonsense mediated decay, however current evidence is not sufficient to establish loss of function as a mechanism for disease. The variant allele was found at a frequency of 8e-06 in 249604 control chromosomes (gnomAD). The available data on variant occurrences in the general population are insufficient to allow any conclusion about variant significance. To our knowledge, no occurrence of c.13C>T in individuals affected with Singleton-Merten Syndrome 2 and no experimental evidence demonstrating its impact on protein function have been reported. No submitters have cited clinical-significance assessments for this variant to ClinVar. Based on the evidence outlined above, the variant was classified as uncertain significance.